The following is an entry in ClinVar:

ClinVar aggregate classification (germline): Uncertain significance (1 of 4 stars; one submission).

Conditions:
Neuronal ceroid lipofuscinosis. Also called: Neuronal Ceroid Lipofuscinoses. Identifiers: Orphanet 216, Orphanet 79263, MedGen C0027877, MONDO:0016295. Disease mechanism: loss of function.

Allele frequency attached by ClinVar (database versions not stated): gnomAD exomes below 0.00001; gnomAD 0.00001; TOPMed 0.00001.
gnomAD v4.1: 7 of 1,613,918 alleles (0.00043%); highest among the groups gnomAD compares: Non-Finnish European, 0.00059%; no homozygotes.

Submission:

Labcorp Genetics (formerly Invitae), Labcorp
Classification: Uncertain significance for Neuronal ceroid lipofuscinosis. Last evaluated: 2024-11-11. Review status: criteria provided, single submitter. Criteria: Invitae Variant Classification Sherloc (09022015). Collection method: clinical testing. Allele origin: germline.
Comment: This sequence change replaces histidine, which is basic and polar, with arginine, which is basic and polar, at codon 30 of the CLN3 protein (p.His30Arg). This variant is not present in population databases (gnomAD no frequency). This variant has not been reported in the literature in individuals affected with CLN3-related conditions. ClinVar contains an entry for this variant (Variation ID: 457955). Invitae Evidence Modeling of protein sequence and biophysical properties (such as structural, functional, and spatial information, amino acid conservation, physicochemical variation, residue mobility, and thermodynamic stability) indicates that this missense variant is not expected to disrupt CLN3 protein function with a negative predictive value of 95%. In summary, the available evidence is currently insufficient to determine the role of this variant in disease. Therefore, it has been classified as a Variant of Uncertain Significance.

NM_001042432.2(CLN3):c.89A>G (p.His30Arg)

Gene: CLN3 (CLN3 lysosomal/endosomal transmembrane protein, battenin; minus strand). Cytogenetic location: 16p12.1.
Variant type: single nucleotide variant.
Coding change: c.89A>G on transcript NM_001042432.2 (MANE Select); coding-DNA position 89, A replaced by G.
Protein change: p.His30Arg; replaces histidine 30 with arginine.
Molecular consequence: missense variant. On other transcripts: intron variant (3).
Genome position (GRCh38, 1-based): chr16:28,491,518, T>C on the plus strand (A>G on the coding strand, the complement: CLN3 is on the minus strand). VCF-style: chr16-28491518-T-C. GRCh37 (hg19) VCF-style: chr16-28502839-T-C.
Other names: c.89A>G, p.His30Arg (NM_000086.2, NM_001286104.2); c.-38+196A>G (NM_001286109.2, NM_001286110.2); c.-96+196A>G (NM_001286105.2); short protein forms H30R.
Identifiers: ClinVar variation 457955 (VCV000457955.4), dbSNP rs1399199073, ClinGen allele CA395347037.